The following is an entry in ClinVar:

NM_058216.3(RAD51C):c.837+3A>T

Gene: RAD51C (RAD51 paralog C; plus strand). Cytogenetic location: 17q22.
Variant type: single nucleotide variant.
Coding change: c.837+3A>T on transcript NM_058216.3 (MANE Select); 3 bases into the intron after coding-DNA position 837, A replaced by T.
Molecular consequence: intron variant.
Genome position (GRCh38, 1-based): chr17:58,709,993, A>T. VCF-style: chr17-58709993-A-T. GRCh37 (hg19) VCF-style: chr17-56787354-A-T.
Identifiers: ClinVar variation 2505285 (VCV002505285.2), dbSNP rs2143855120, ClinGen allele CA2580613174.

ClinVar aggregate classification (germline): Uncertain significance (1 of 4 stars; one submission).

Conditions:
Breast-ovarian cancer, familial, susceptibility to, 3. Also called: RAD51C-Related Breast/Ovarian Cancer. Identifiers: Orphanet 145, MedGen C3150659, MONDO:0013253, OMIM 613399.

Submission:

KCCC/NGS Laboratory, Kuwait Cancer Control Center
Classification: Uncertain significance for Breast-ovarian cancer, familial, susceptibility to, 3. Last evaluated: 2023-06-14. Review status: criteria provided, single submitter. Criteria: ACMG Guidelines, 2015. Collection method: clinical testing. Allele origin: unknown. Inheritance: Autosomal dominant inheritance. Affected: yes. Observed: 1 heterozygote.
Comment: A variant of uncertain significance in the RAD51C gene (c.837+3A>T) was detected. The c.837+3A>T intronic variant results from A to T substitution one nucleotide after coding exon 5 of the RAD51C gene. This variant has not been reported in the literature nor in clinvar . This variant is predicted splicing (scSNV ADA Boost score = 1 ). Alterations that disrupt the canonical splice site are expected to cause aberrant splicing, resulting in an abnormal protein or a transcript that is subject to nonsense-mediated mRNA decay. This variant is not found in gnomAD genomes. In-silico predictions show Pathogenic computational verdict based on pathogenic predictions from dbscSNV. For these reasons, this variant has been classified as a Variant of Uncertain Significance.